The following is an entry in ClinVar:

ClinVar aggregate classification (germline): Uncertain significance (1 of 4 stars; one submission).

Submission:

Labcorp Genetics (formerly Invitae), Labcorp
Classification: Uncertain significance. Last evaluated: 2025-05-07. Review status: criteria provided, single submitter. Criteria: Invitae Variant Classification Sherloc (09022015). Collection method: clinical testing. Allele origin: germline.
Comment: This sequence change replaces lysine, which is basic and polar, with asparagine, which is neutral and polar, at codon 231 of the GATA5 protein (p.Lys231Asn). This variant is not present in population databases (gnomAD no frequency). This variant has not been reported in the literature in individuals affected with GATA5-related conditions. Invitae Evidence Modeling of protein sequence and biophysical properties (such as structural, functional, and spatial information, amino acid conservation, physicochemical variation, residue mobility, and thermodynamic stability) indicates that this missense variant is expected to disrupt GATA5 protein function with a positive predictive value of 80%. In summary, the available evidence is currently insufficient to determine the role of this variant in disease. Therefore, it has been classified as a Variant of Uncertain Significance.

NM_080473.5(GATA5):c.693G>T (p.Lys231Asn)

Gene: GATA5 (GATA binding protein 5; minus strand). Cytogenetic location: 20q13.33.
Variant type: single nucleotide variant.
Coding change: c.693G>T on transcript NM_080473.5 (MANE Select); coding-DNA position 693, G replaced by T.
Protein change: p.Lys231Asn; replaces lysine 231 with asparagine.
Molecular consequence: missense variant.
Genome position (GRCh38, 1-based): chr20:62,473,409, C>A on the plus strand (G>T on the coding strand, the complement: GATA5 is on the minus strand). VCF-style: chr20-62473409-C-A. GRCh37 (hg19) VCF-style: chr20-61048465-C-A.
Other names: short protein forms K231N.
Identifiers: ClinVar variation 4743092 (VCV004743092.1).